The following is an entry in ClinVar:

NM_003922.4(HERC1):c.7540G>A (p.Gly2514Ser)

Gene: HERC1 (HECT and RLD domain containing E3 ubiquitin protein ligase family member 1; minus strand). Cytogenetic location: 15q22.31.
Variant type: single nucleotide variant.
Coding change: c.7540G>A on transcript NM_003922.4 (MANE Select); coding-DNA position 7540, G replaced by A.
Protein change: p.Gly2514Ser; replaces glycine 2514 with serine.
Molecular consequence: missense variant.
Genome position (GRCh38, 1-based): chr15:63,674,648, C>T on the plus strand (G>A on the coding strand, the complement: HERC1 is on the minus strand). VCF-style: chr15-63674648-C-T. GRCh37 (hg19) VCF-style: chr15-63966847-C-T.
Other names: c.7540G>A (NM_003922.3); short protein forms G2514S.
Identifiers: ClinVar variation 1438671 (VCV001438671.9), dbSNP rs766836104, ClinGen allele CA7605132.

ClinVar aggregate classification (germline): Uncertain significance. Review status: criteria provided, multiple submitters, no conflicts (2 of 4 stars). 2 submissions from 2 submitters: Uncertain significance (2). Last evaluated 2025-08-04.

Conditions:
Inborn genetic diseases. Identifiers: MedGen C0950123, MeSH D030342.

Allele frequency attached by ClinVar (database versions not stated): gnomAD exomes below 0.00001 and 0.00001; ExAC 0.00001; gnomAD 0.00001 and 0.00002; TOPMed 0.00002.
gnomAD v4.1: 10 of 1,613,532 alleles (0.00062%); highest among the groups gnomAD compares: Admixed American, 0.01%; no homozygotes.

Submissions (2):

Ambry Genetics
Classification: Uncertain significance for Inborn genetic diseases. Last evaluated: 2025-08-04. Review status: criteria provided, single submitter. Criteria: Ambry Variant Classification Scheme 2023. Collection method: clinical testing. Allele origin: germline.

Labcorp Genetics (formerly Invitae), Labcorp
Classification: Uncertain significance. Last evaluated: 2021-06-28. Review status: criteria provided, single submitter. Criteria: Invitae Variant Classification Sherloc (09022015). Collection method: clinical testing. Allele origin: germline.
Comment: This sequence change replaces glycine with serine at codon 2514 of the HERC1 protein (p.Gly2514Ser). The glycine residue is highly conserved and there is a small physicochemical difference between glycine and serine. This variant is present in population databases (rs766836104, ExAC 0.002%). This variant has not been reported in the literature in individuals affected with HERC1-related conditions. Algorithms developed to predict the effect of missense changes on protein structure and function are either unavailable or do not agree on the potential impact of this missense change (SIFT: "Deleterious"; PolyPhen-2: "Benign"; Align-GVGD: "Class C0"). Algorithms developed to predict the effect of sequence changes on RNA splicing suggest that this variant may create or strengthen a splice site. In summary, the available evidence is currently insufficient to determine the role of this variant in disease. Therefore, it has been classified as a Variant of Uncertain Significance.